The following is an entry in ClinVar:

ClinVar aggregate classification (germline): Likely benign (0 of 4 stars; one submission).

Conditions:
MDN1-related disorder. Also called: MDN1-related condition.

Allele frequency attached by ClinVar (database versions not stated): gnomAD exomes 0.00009; 1000 Genomes Project 30x 0.00016; gnomAD 0.00016; 1000 Genomes Project 0.00020; TOPMed 0.00033; ExAC 0.00038.

Submission:

PreventionGenetics, part of Exact Sciences
Classification: Likely benign for MDN1-related condition. Last evaluated: 2019-09-10. Review status: no assertion criteria provided. Collection method: clinical testing. Allele origin: germline.
Comment: This variant is classified as likely benign based on ACMG/AMP sequence variant interpretation guidelines (Richards et al. 2015 PMID: 25741868, with internal and published modifications).

NM_014611.3(MDN1):c.13692C>T (p.Ala4564=)

Genes: MDN1 (midasin AAA ATPase 1; minus strand), MDN1-AS1 (MDN1 antisense RNA 1; plus strand). Cytogenetic location: 6q15.
Variant type: single nucleotide variant.
Coding change: c.13692C>T on transcript NM_014611.3 (MANE Select); coding-DNA position 13692, C replaced by T.
Protein change: p.Ala4564=; no amino-acid change (alanine 4564 retained).
Molecular consequence: synonymous variant.
Genome position (GRCh38, 1-based): chr6:89,672,302, G>A on the plus strand (C>T on the coding strand, the complement: MDN1 is on the minus strand). VCF-style: chr6-89672302-G-A. GRCh37 (hg19) VCF-style: chr6-90382021-G-A.
Identifiers: ClinVar variation 3053060 (VCV003053060.2), dbSNP rs115238428, ClinGen allele CA3922751.
Genomic context (GRCh38, chr6:89,672,302, plus strand): 5'-CCTCTCCAACAGCTCGGAGATGGCAGAAATTATTTTCTGCACGTGCAAAGTGCTCACATC[G>A]GCCCAGAAGTCATCCTCTAAGAGTTTTGTTAGATGTCCTGATTGCAGTCTCTCAAAGCCT-3'
Protein context (NP_055426.1, residues 4554-4574): LTKLLEDDFW[Ala4564=]DVSTLHVQKI